The following is an entry in ClinVar:

ClinVar aggregate classification (germline): Uncertain significance. Review status: criteria provided, multiple submitters, no conflicts (2 of 4 stars). 2 submissions from 2 submitters: Uncertain significance (2). Last evaluated 2023-12-24.

Conditions:
Amelogenesis imperfecta type 1G (AI1G). Also called: Amelogenesis imperfecta nephrocalcinosis; Enamel renal syndrome; Absent enamel, nephrocalcinosis and apparently normal calcium metabolism; Generalized enamel hypoplasia and renal dysfunction; Amelogenesis imperfecta-gingival hyperplasia syndrome; AMELOGENESIS IMPERFECTA, TYPE IG. Identifiers: Orphanet 1031, Orphanet 171836, MedGen C2931783, MONDO:0008771, OMIM 204690. Disease mechanism: loss of function.

Allele frequency attached by ClinVar (database versions not stated): TOPMed 0.00002; gnomAD exomes 0.00001; gnomAD 0.00002.
gnomAD v4.1: 12 of 1,613,762 alleles (0.00074%); highest among the groups gnomAD compares: Admixed American, 0.01%; no homozygotes.

Submissions (2):

Fulgent Genetics
Classification: Uncertain significance for Amelogenesis imperfecta type 1G. Last evaluated: 2023-12-24. Review status: criteria provided, single submitter. Criteria: ACMG Guidelines, 2015. Collection method: clinical testing. Allele origin: germline.

Labcorp Genetics (formerly Invitae), Labcorp
Classification: Uncertain significance. Last evaluated: 2021-09-24. Review status: criteria provided, single submitter. Criteria: Invitae Variant Classification Sherloc (09022015). Collection method: clinical testing. Allele origin: germline.
Comment: This sequence change replaces alanine with valine at codon 310 of the FAM20A protein (p.Ala310Val). The alanine residue is highly conserved and there is a small physicochemical difference between alanine and valine. This variant is not present in population databases (ExAC no frequency). This variant has not been reported in the literature in individuals with FAM20A-related conditions. Algorithms developed to predict the effect of missense changes on protein structure and function are either unavailable or do not agree on the potential impact of this missense change (SIFT: "Deleterious"; PolyPhen-2: "Probably Damaging"; Align-GVGD: "Class C0"). Algorithms developed to predict the effect of sequence changes on RNA splicing suggest that this variant may create or strengthen a splice site, but this prediction has not been confirmed by published transcriptional studies. In summary, the available evidence is currently insufficient to determine the role of this variant in disease. Therefore, it has been classified as a Variant of Uncertain Significance.

NM_017565.4(FAM20A):c.929C>T (p.Ala310Val)

Genes: FAM20A (FAM20A golgi associated secretory pathway pseudokinase; minus strand), PRKAR1A (protein kinase cAMP-dependent type I regulatory subunit alpha; plus strand). Cytogenetic location: 17q24.2.
Variant type: single nucleotide variant.
Coding change: c.929C>T on transcript NM_017565.4 (MANE Select); coding-DNA position 929, C replaced by T.
Protein change: p.Ala310Val; replaces alanine 310 with valine.
Molecular consequence: missense variant. On other transcripts: non-coding transcript variant (1), intron variant (1).
Genome position (GRCh38, 1-based): chr17:68,542,165, G>A on the plus strand (C>T on the coding strand, the complement: FAM20A is on the minus strand). VCF-style: chr17-68542165-G-A. GRCh37 (hg19) VCF-style: chr17-66538306-G-A.
Other names: c.515C>T, p.Ala172Val (NM_001243746.2); c.974-8919G>A (NM_001276290.1); short protein forms A310V, A172V.
Identifiers: ClinVar variation 1390615 (VCV001390615.7), dbSNP rs1371933127, ClinGen allele CA400758641.